The following is an entry in ClinVar:

NM_001372066.1(TFAP2A):c.1039T>C (p.Cys347Arg)

Gene: TFAP2A (transcription factor AP-2 alpha; minus strand). Cytogenetic location: 6p24.3.
Variant type: single nucleotide variant.
Coding change: c.1039T>C on transcript NM_001372066.1 (MANE Select); coding-DNA position 1039, T replaced by C.
Protein change: p.Cys347Arg; replaces cysteine 347 with arginine.
Molecular consequence: missense variant.
Genome position (GRCh38, 1-based): chr6:10,398,698, A>G on the plus strand (T>C on the coding strand, the complement: TFAP2A is on the minus strand). VCF-style: chr6-10398698-A-G. GRCh37 (hg19) VCF-style: chr6-10398931-A-G.
Other names: NM_003220.2:c.1033T>C; c.1015T>C, p.Cys339Arg (NM_001032280.3); c.1021T>C, p.Cys341Arg (NM_001042425.3); short protein forms C341R, C339R, C347R.
Identifiers: ClinVar variation 931468 (VCV000931468.4), dbSNP rs1761890567, ClinGen allele CA362699600.

ClinVar aggregate classification (germline): Conflicting classifications of pathogenicity. Review status: criteria provided, conflicting classifications (1 of 4 stars). 2 submissions from 2 submitters: Likely pathogenic (1); Uncertain significance (1). Last evaluated 2025-10-27.

Conditions:
Branchiooculofacial syndrome (BOFS). Also called: Branchio-Oculo-Facial Syndrome; HEMANGIOMATOUS BRANCHIAL CLEFTS-LIP PSEUDOCLEFT SYNDROME; LIP PSEUDOCLEFT-HEMANGIOMATOUS BRANCHIAL CYST SYNDROME; BOF SYNDROME. Identifiers: MONDO:0007235, OMIM 113620, Orphanet 1297, MedGen C0376524, MeSH D019280.

Allele frequency attached by ClinVar (database versions not stated): gnomAD exomes below 0.00001.
gnomAD v4.1: 1 of 1,614,014 alleles (0.000062%); highest among the groups gnomAD compares: Non-Finnish European, 0.000085%; no homozygotes.

Submissions (2):

Labcorp Genetics (formerly Invitae), Labcorp
Classification: Uncertain significance. Last evaluated: 2025-10-27. Review status: criteria provided, single submitter. Criteria: Invitae Variant Classification Sherloc (09022015). Collection method: clinical testing. Allele origin: germline.
Comment: This sequence change replaces cysteine, which is neutral and slightly polar, with arginine, which is basic and polar, at codon 345 of the TFAP2A protein (p.Cys345Arg). This variant is not present in population databases (gnomAD no frequency). This missense change has been observed in individual(s) with congenital ophthalmic disease (PMID: 38459225). This variant is also known as p.Cys347Arg. ClinVar contains an entry for this variant (Variation ID: 931468). Invitae Evidence Modeling of protein sequence and biophysical properties (such as structural, functional, and spatial information, amino acid conservation, physicochemical variation, residue mobility, and thermodynamic stability) indicates that this missense variant is expected to disrupt TFAP2A protein function with a positive predictive value of 80%. In summary, the available evidence is currently insufficient to determine the role of this variant in disease. Therefore, it has been classified as a Variant of Uncertain Significance.

Centre for Mendelian Genomics, University Medical Centre Ljubljana
Classification: Likely pathogenic for Branchiooculofacial syndrome. Last evaluated: 2016-01-01. Review status: criteria provided, single submitter. Criteria: ACMG Guidelines, 2015. Collection method: clinical testing. Allele origin: unknown. Affected: yes.
Comment: This variant was classified as: Likely pathogenic. The following ACMG criteria were applied in classifying this variant: PM2,PM6,PP3,PP4.

Literature cited by the submitters: PubMed 38459225 (cited by Labcorp Genetics (formerly Invitae), Labcorp).